The following is an entry in ClinVar:

NM_000884.3(IMPDH2):c.147+5G>A

Gene: IMPDH2 (inosine monophosphate dehydrogenase 2; minus strand). Cytogenetic location: 3p21.31.
Variant type: single nucleotide variant.
Coding change: c.147+5G>A on transcript NM_000884.3 (MANE Select); 5 bases into the intron after coding-DNA position 147, G replaced by A.
Molecular consequence: intron variant.
Genome position (GRCh38, 1-based): chr3:49,028,753, C>T on the plus strand (G>A on the coding strand, the complement: IMPDH2 is on the minus strand). VCF-style: chr3-49028753-C-T. GRCh37 (hg19) VCF-style: chr3-49066186-C-T.
Other names: c.147+5G>A (NM_001410761.1, NM_001410760.1, NM_001410759.1).
Identifiers: ClinVar variation 4527682 (VCV004527682.1).

ClinVar aggregate classification (germline): Uncertain significance (1 of 4 stars; one submission).

gnomAD v4.1: 1 of 1,612,124 alleles (0.000062%); no homozygotes.

Submission:

GeneDx
Classification: Uncertain significance. Last evaluated: 2025-04-26. Review status: criteria provided, single submitter. Criteria: GeneDx Variant Classification Process June 2021. Collection method: clinical testing. Allele origin: germline. Affected: yes.
Comment: Not observed at significant frequency in large population cohorts (gnomAD); In silico analysis supports a deleterious effect on splicing; Has not been previously published as pathogenic or benign to our knowledge